The following is an entry in ClinVar:

NM_002485.5(NBN):c.270T>A (p.Thr90=)

Gene: NBN (nibrin; minus strand). Cytogenetic location: 8q21.3.
Variant type: single nucleotide variant.
Coding change: c.270T>A on transcript NM_002485.5 (MANE Select); coding-DNA position 270, T replaced by A.
Protein change: p.Thr90=; no amino-acid change (threonine 90 retained).
Molecular consequence: synonymous variant.
Genome position (GRCh38, 1-based): chr8:89,981,425, A>T on the plus strand (T>A on the coding strand, the complement: NBN is on the minus strand). VCF-style: chr8-89981425-A-T. GRCh37 (hg19) VCF-style: chr8-90993653-A-T.
Other names: c.24T>A, p.Thr8= (NM_001024688.3).
Identifiers: ClinVar variation 748297 (VCV000748297.13), dbSNP rs776469548, ClinGen allele CA461831455.

ClinVar aggregate classification (germline): Conflicting classifications of pathogenicity. Review status: criteria provided, conflicting classifications (1 of 4 stars). 3 submissions from 3 submitters: Uncertain significance (1); Likely benign (2). Last evaluated 2023-08-04.

Conditions:
Hereditary cancer-predisposing syndrome. Also called: Tumor predisposition; Hereditary Cancer Syndrome; Neoplastic Syndromes, Hereditary; Hereditary neoplastic syndrome. Identifiers: Orphanet 140162, MedGen C0027672, MeSH D009386, MONDO:0015356.
Microcephaly, normal intelligence and immunodeficiency (NBS). Also called: Nijmegen breakage syndrome; Microcephaly with normal intelligence immunodeficiency and lymphoreticular malignancies; Nonsyndromal microcephaly autosomal recessive with normal intelligence; Seemanova syndrome 2; IMMUNODEFICIENCY, MICROCEPHALY, AND CHROMOSOMAL INSTABILITY; Ataxia telangiectasia variant V1. Identifiers: Orphanet 647, MedGen C0398791, MONDO:0009623, OMIM 251260.

Submissions (3):

Quest Diagnostics Nichols Institute San Juan Capistrano
Classification: Uncertain significance. Last evaluated: 2023-08-04. Review status: criteria provided, single submitter. Criteria: Quest Diagnostics criteria. Collection method: clinical testing. Allele origin: unknown.
Comment: To the best of our knowledge, this variant has not been reported in individuals with NBN-related conditions in the published literature. It also has not been reported in large, multi-ethnic general populations (Genome Aggregation Database). Analysis of this variant using software algorithms for the prediction of the effect of nucleotide changes on splicing yielded predictions that this variant does not affect NBN mRNA splicing . Based on the available information, we are unable to determine the clinical significance of this variant.

Ambry Genetics
Classification: Likely benign for Hereditary cancer-predisposing syndrome. Last evaluated: 2023-02-27. Review status: criteria provided, single submitter. Criteria: Ambry Variant Classification Scheme 2023. Collection method: clinical testing. Allele origin: germline.

Labcorp Genetics (formerly Invitae), Labcorp
Classification: Likely benign for Microcephaly, normal intelligence and immunodeficiency. Last evaluated: 2019-03-06. Review status: criteria provided, single submitter. Criteria: Invitae Variant Classification Sherloc (09022015). Collection method: clinical testing. Allele origin: germline.